The following is an entry in ClinVar:

NM_012479.4(YWHAG):c.65A>G (p.Asp22Gly)

Gene: YWHAG (tyrosine 3-monooxygenase/tryptophan 5-monooxygenase activation protein gamma; minus strand). Cytogenetic location: 7q11.23.
Variant type: single nucleotide variant.
Coding change: c.65A>G on transcript NM_012479.4 (MANE Select); coding-DNA position 65, A replaced by G.
Protein change: p.Asp22Gly; replaces aspartic acid 22 with glycine.
Molecular consequence: missense variant.
Genome position (GRCh38, 1-based): chr7:76,358,744, T>C on the plus strand (A>G on the coding strand, the complement: YWHAG is on the minus strand). VCF-style: chr7-76358744-T-C. GRCh37 (hg19) VCF-style: chr7-75988061-T-C.
Other names: short protein forms D22G.
Identifiers: ClinVar variation 3654376 (VCV003654376.2).

ClinVar aggregate classification (germline): Uncertain significance (1 of 4 stars; one submission).

Submission:

Labcorp Genetics (formerly Invitae), Labcorp
Classification: Uncertain significance. Last evaluated: 2024-05-23. Review status: criteria provided, single submitter. Criteria: Invitae Variant Classification Sherloc (09022015). Collection method: clinical testing. Allele origin: germline.
Comment: This sequence change replaces aspartic acid, which is acidic and polar, with glycine, which is neutral and non-polar, at codon 22 of the YWHAG protein (p.Asp22Gly). This variant is not present in population databases (gnomAD no frequency). This variant has not been reported in the literature in individuals affected with YWHAG-related conditions. Advanced modeling of protein sequence and biophysical properties (such as structural, functional, and spatial information, amino acid conservation, physicochemical variation, residue mobility, and thermodynamic stability) performed at Invitae indicates that this missense variant is expected to disrupt YWHAG protein function with a positive predictive value of 80%. In summary, the available evidence is currently insufficient to determine the role of this variant in disease. Therefore, it has been classified as a Variant of Uncertain Significance.